The following is an entry in ClinVar:

NM_001302998.2(LIPI):c.79C>G (p.Leu27Val)

Gene: LIPI (lipase I; minus strand). Cytogenetic location: 21q11.2.
Variant type: single nucleotide variant.
Coding change: c.79C>G on transcript NM_001302998.2 (MANE Select); coding-DNA position 79, C replaced by G.
Protein change: p.Leu27Val; replaces leucine 27 with valine.
Molecular consequence: missense variant. On other transcripts: 5 prime UTR variant (1), intron variant (1).
Genome position (GRCh38, 1-based): chr21:14,189,387, G>C on the plus strand (C>G on the coding strand, the complement: LIPI is on the minus strand). VCF-style: chr21-14189387-G-C. GRCh37 (hg19) VCF-style: chr21-15561708-G-C.
Other names: c.79C>G, p.Leu27Val (NM_001302999.2, NM_001303000.2, NM_001303001.2 and 1 more transcripts); c.-57C>G (NM_198996.4); c.47-7528C>G (NM_001379566.1); short protein forms L27V.
Identifiers: ClinVar variation 4708583 (VCV004708583.1).

ClinVar aggregate classification (germline): Uncertain significance (1 of 4 stars; one submission).

gnomAD v4.1: 1 of 1,612,608 alleles (0.000062%); highest among the groups gnomAD compares: Admixed American, 0.0017%; no homozygotes.

Submission:

Labcorp Genetics (formerly Invitae), Labcorp
Classification: Uncertain significance. Last evaluated: 2025-04-14. Review status: criteria provided, single submitter. Criteria: Invitae Variant Classification Sherloc (09022015). Collection method: clinical testing. Allele origin: germline.
Comment: This sequence change replaces leucine, which is neutral and non-polar, with valine, which is neutral and non-polar, at codon 48 of the LIPI protein (p.Leu48Val). This variant is present in population databases (rs748102069, gnomAD 0.003%). This variant has not been reported in the literature in individuals affected with LIPI-related conditions. An algorithm developed to predict the effect of missense changes on protein structure and function (PolyPhen-2) suggests that this variant is likely to be disruptive. Algorithms developed to predict the effect of sequence changes on RNA splicing suggest that this variant may create or strengthen a splice site. In summary, the available evidence is currently insufficient to determine the role of this variant in disease. Therefore, it has been classified as a Variant of Uncertain Significance.